The following is an entry in ClinVar:

ClinVar aggregate classification (germline): Pathogenic/Likely pathogenic. Review status: criteria provided, multiple submitters, no conflicts (2 of 4 stars). 3 submissions from 3 submitters: Pathogenic (2); Likely pathogenic (1). Last evaluated 2024-04-11.

Conditions:
Hereditary nonpolyposis colorectal neoplasms. Identifiers: MedGen C0009405, MeSH D003123.
Lynch syndrome 5 (LYNCH5). Also called: Colorectal cancer, hereditary nonpolyposis, type 5; Hereditary non-polyposis colorectal cancer, type 5. Identifiers: Orphanet 144, MedGen C1833477, MONDO:0013710, OMIM 614350. Disease mechanism: loss of function.
MSH6-related disorder. Also called: MSH6-related condition; MSH6-Related disorders.

Submissions (3):

Blueprint Genetics
Classification: Likely pathogenic for MSH6-related disorders. Last evaluated: 2024-04-11. Review status: criteria provided, single submitter. Criteria: ACMG Guidelines, 2015. Collection method: clinical testing. Allele origin: germline. Affected: yes. Observed: 1 variant allele.

Myriad Genetics, Inc.
Classification: Pathogenic for Lynch syndrome 5. Last evaluated: 2023-08-25. Review status: criteria provided, single submitter. Criteria: Myriad Autosomal Dominant, Autosomal Recessive and X-Linked Classification Criteria (2023). Collection method: clinical testing. Allele origin: unknown.
Comment: This variant is considered pathogenic. This variant creates a frameshift predicted to result in premature protein truncation.

Labcorp Genetics (formerly Invitae), Labcorp
Classification: Pathogenic for Hereditary nonpolyposis colorectal neoplasms. Last evaluated: 2018-04-19. Review status: criteria provided, single submitter. Criteria: Invitae Variant Classification Sherloc (09022015). Collection method: clinical testing. Allele origin: germline.
Comment: For these reasons, this variant has been classified as Pathogenic. Loss-of-function variants in MSH6 are known to be pathogenic (PMID: 18269114, 24362816). This variant has not been reported in the literature in individuals with MSH6-related disease. This variant is not present in population databases (ExAC no frequency). This sequence change creates a premature translational stop signal (p.Thr1247Lysfs*16) in the MSH6 gene. It is expected to result in an absent or disrupted protein product.

Literature cited by the submitters: PubMed 18269114 (cited by Labcorp Genetics (formerly Invitae), Labcorp); PubMed 24362816 (cited by Labcorp Genetics (formerly Invitae), Labcorp).

NM_000179.3(MSH6):c.3735_3769del (p.Thr1247fs)

Gene: MSH6 (mutS homolog 6; plus strand). Cytogenetic location: 2p16.3.
Variant type: Deletion.
Coding change: c.3735_3769del on transcript NM_000179.3 (MANE Select); coding-DNA positions 3735 to 3769, 35 bases deleted.
Protein change: p.Thr1247fs; shifts the reading frame from threonine 1247.
Molecular consequence: frameshift variant.
Genome position (GRCh38, 1-based): chr2:47,806,292-47,806,326, 35 bases deleted; deleting any 35 consecutive bases within chr2:47,806,286-47,806,326 gives the same sequence; the c. name uses the placement nearest the transcript's 3' end. GRCh37 (hg19): chr2:48,033,431-48,033,465.
Other names: c.3345_3379del, p.Thr1117fs (NM_001281492.2); c.2829_2863del, p.Thr945fs (NM_001281493.2, NM_001281494.2); c.3735_3769delTTCAACTCACTACCATTCATTAGTAGAAGATTATT (NM_000179.2); short protein forms T945fs, T1117fs, T1247fs.
Identifiers: ClinVar variation 579264 (VCV000579264.9), dbSNP rs1558392228, ClinGen allele CA891843279.